The following is an entry in ClinVar:

NM_182961.4(SYNE1):c.20651T>A (p.Ile6884Asn)

Gene: SYNE1 (spectrin repeat containing nuclear envelope protein 1; minus strand). Cytogenetic location: 6q25.2.
Variant type: single nucleotide variant.
Coding change: c.20651T>A on transcript NM_182961.4 (MANE Select); coding-DNA position 20651, T replaced by A.
Protein change: p.Ile6884Asn; replaces isoleucine 6884 with asparagine.
Molecular consequence: missense variant.
Genome position (GRCh38, 1-based): chr6:152,233,842, A>T on the plus strand (T>A on the coding strand, the complement: SYNE1 is on the minus strand). VCF-style: chr6-152233842-A-T. GRCh37 (hg19) VCF-style: chr6-152554977-A-T.
Other names: c.20438T>A, p.Ile6813Asn (NM_033071.5); short protein forms I6813N, I6884N.
Identifiers: ClinVar variation 4686963 (VCV004686963.1).
Genomic context (GRCh38, chr6:152,233,842, plus strand): 5'-TGGTGGAGCTTCTCCTGGACGGCTGGGATATTGGTTAGCAGGTCAGTCCACTGGCTATCA[A>T]TGCGCGACAGCTCAGAGCGCAGCGTGGCTGTGTCCACCTTTTTTAGTCGAAGGAGCTGAT-3'
Protein context (NP_892006.3, residues 6874-6894): TATLRSELSR[Ile6884Asn]DSQWTDLLTN

ClinVar aggregate classification (germline): Uncertain significance (1 of 4 stars; one submission).

Submission:

GeneDx
Classification: Uncertain significance. Last evaluated: 2025-07-24. Review status: criteria provided, single submitter. Criteria: GeneDx Variant Classification Process June 2021. Collection method: clinical testing. Allele origin: germline. Affected: yes.
Comment: Not observed at significant frequency in large population cohorts (gnomAD); In silico analysis supports that this missense variant has a deleterious effect on protein structure/function; Has not been previously published as pathogenic or benign to our knowledge